The following is an entry in ClinVar:

ClinVar aggregate classification (germline): Uncertain significance. Review status: criteria provided, multiple submitters, no conflicts (2 of 4 stars). 2 submissions from 2 submitters: Uncertain significance (2). Last evaluated 2025-10-16.

Conditions:
Hereditary cancer-predisposing syndrome. Also called: Neoplastic Syndromes, Hereditary; Hereditary Cancer Syndrome; Tumor predisposition; Hereditary neoplastic syndrome. Identifiers: Orphanet 140162, MedGen C0027672, MeSH D009386, MONDO:0015356.
Familial meningioma. Also called: Meningioma, familial, susceptibility to. Identifiers: Orphanet 263662, MedGen C3551915, MONDO:0011789, OMIM 607174.

Allele frequency attached by ClinVar (database versions not stated): gnomAD exomes below 0.00001; TOPMed below 0.00001; ExAC 0.00001; gnomAD 0.00001.
gnomAD v4.1: 2 of 1,613,442 alleles (0.00012%); highest among the groups gnomAD compares: Non-Finnish European, 0.00017%; no homozygotes.

Submissions (2):

Ambry Genetics
Classification: Uncertain significance for Hereditary cancer-predisposing syndrome. Last evaluated: 2025-10-16. Review status: criteria provided, single submitter. Criteria: Ambry Variant Classification Scheme 2023. Collection method: clinical testing. Allele origin: germline.
Comment: The p.R158Q variant (also known as c.473G>A), located in coding exon 6 of the SMARCE1 gene, results from a G to A substitution at nucleotide position 473. The arginine at codon 158 is replaced by glutamine, an amino acid with highly similar properties. This amino acid position is conserved. In addition, the in silico prediction for this alteration is inconclusive. Based on the available evidence, the clinical significance of this variant remains unclear.

Labcorp Genetics (formerly Invitae), Labcorp
Classification: Uncertain significance for Familial meningioma. Last evaluated: 2025-08-02. Review status: criteria provided, single submitter. Criteria: Invitae Variant Classification Sherloc (09022015). Collection method: clinical testing. Allele origin: germline.
Comment: This sequence change replaces arginine, which is basic and polar, with glutamine, which is neutral and polar, at codon 158 of the SMARCE1 protein (p.Arg158Gln). This variant is present in population databases (rs757138170, gnomAD 0.0009%). This variant has not been reported in the literature in individuals affected with SMARCE1-related conditions. ClinVar contains an entry for this variant (Variation ID: 853729). Invitae Evidence Modeling of protein sequence and biophysical properties (such as structural, functional, and spatial information, amino acid conservation, physicochemical variation, residue mobility, and thermodynamic stability) indicates that this missense variant is not expected to disrupt SMARCE1 protein function with a negative predictive value of 80%. In summary, the available evidence is currently insufficient to determine the role of this variant in disease. Therefore, it has been classified as a Variant of Uncertain Significance.

NM_003079.5(SMARCE1):c.473G>A (p.Arg158Gln)

Gene: SMARCE1 (SWI/SNF related BAF chromatin remodeling complex subunit E1; minus strand). Cytogenetic location: 17q21.2.
Variant type: single nucleotide variant.
Coding change: c.473G>A on transcript NM_003079.5 (MANE Select); coding-DNA position 473, G replaced by A.
Protein change: p.Arg158Gln; replaces arginine 158 with glutamine.
Molecular consequence: missense variant.
Genome position (GRCh38, 1-based): chr17:40,635,999, C>T on the plus strand (G>A on the coding strand, the complement: SMARCE1 is on the minus strand). VCF-style: chr17-40635999-C-T. GRCh37 (hg19) VCF-style: chr17-38792251-C-T.
Other names: short protein forms R158Q.
Identifiers: ClinVar variation 853729 (VCV000853729.10), dbSNP rs757138170, ClinGen allele CA8545238.
Genomic context (GRCh38, chr17:40,635,999, plus strand): 5'-TCTTCAGCAGGCTGAATGCTCATGTACGGTTCTCCTTTCTCCATGCGAGATTGTCTCTGT[C>T]GACTTTCTTCCTCTAAAGCAGCTTCTGCACGACTTTTTGCATTTATGTAAGCAAGGTACG-3'
Protein context (NP_003070.3, residues 148-168): RAEAALEEES[Arg158Gln]QRQSRMEKGE